The following is an entry in ClinVar:

NM_023036.6(DNAI2):c.1291_1293del (p.Thr431del)

Gene: DNAI2 (dynein axonemal intermediate chain 2; plus strand). Cytogenetic location: 17q25.1.
Variant type: Deletion.
Coding change: c.1291_1293del on transcript NM_023036.6 (MANE Select); coding-DNA positions 1291 to 1293, 3 bases deleted (ACC; older notation c.1291_1293delACC).
Protein change: p.Thr431del; deletes threonine 431.
Molecular consequence: inframe deletion. On other transcripts: non-coding transcript variant (1).
Genome position (GRCh38, 1-based): chr17:74,309,332-74,309,334, ACC deleted. VCF-style (leftmost placement, unchanged base first): chr17-74309331-AACC-A. GRCh37 (hg19) VCF-style: chr17-72305470-AACC-A.
Other names: c.1291_1293del, p.Thr431del (NM_001172810.3, NM_001353167.2); short protein forms T431del.
Identifiers: ClinVar variation 2580428 (VCV002580428.2), dbSNP rs1208453670, ClinGen allele CA774975301.

ClinVar aggregate classification (germline): Uncertain significance (1 of 4 stars; one submission).

Allele frequency attached by ClinVar (database versions not stated): gnomAD exomes below 0.00001; TOPMed below 0.00001; gnomAD 0.00001.

Submission:

GeneDx
Classification: Uncertain significance. Last evaluated: 2026-06-23. Review status: criteria provided, single submitter. Criteria: GeneDx Variant Classification Process June 2021. Collection method: clinical testing. Allele origin: germline.
Comment: Not observed at significant frequency in large population cohorts (gnomAD); In-frame deletion of 1 amino acids in a non-repeat region; Has not been previously published as pathogenic or benign to our knowledge; In silico analysis does not support a benign or deleterious effect of this variant on protein structure/function